The following is an entry in ClinVar:

NM_206933.4(USH2A):c.7880T>A (p.Ile2627Asn)

Gene: USH2A (usherin; minus strand). Cytogenetic location: 1q41.
Variant type: single nucleotide variant.
Coding change: c.7880T>A on transcript NM_206933.4 (MANE Select); coding-DNA position 7880, T replaced by A.
Protein change: p.Ile2627Asn; replaces isoleucine 2627 with asparagine.
Molecular consequence: missense variant.
Genome position (GRCh38, 1-based): chr1:215,888,769, A>T on the plus strand (T>A on the coding strand, the complement: USH2A is on the minus strand). VCF-style: chr1-215888769-A-T. GRCh37 (hg19) VCF-style: chr1-216062111-A-T.
Other names: short protein forms I2627N.
Identifiers: ClinVar variation 968060 (VCV000968060.7), dbSNP rs745480430, ClinGen allele CA1394724.

ClinVar aggregate classification (germline): Uncertain significance. Review status: criteria provided, multiple submitters, no conflicts (2 of 4 stars). 5 submissions from 5 submitters: Uncertain significance (4). 1 of the submissions does not count toward it. Last evaluated 2025-08-11.

Conditions:
Inborn genetic diseases. Identifiers: MedGen C0950123, MeSH D030342.
Usher syndrome type 2A. Also called: RETINAL DISEASE IN USHER SYNDROME TYPE IIA, MODIFIER OF; USHER SYNDROME, TYPE IIA. Identifiers: Orphanet 231178, Orphanet 886, MedGen C1848634, MONDO:0010169, OMIM 276901.

Allele frequency attached by ClinVar (database versions not stated): gnomAD exomes 0.00008; gnomAD 0.00001; TOPMed 0.00006; ExAC 0.00007.
gnomAD v4.1: 25 of 1,613,924 alleles (0.0015%); highest among the groups gnomAD compares: Admixed American, 0.035%; no homozygotes.

Submissions (5):

GeneDx
Classification: Uncertain significance. Last evaluated: 2025-08-11. Review status: criteria provided, single submitter. Criteria: GeneDx Variant Classification Process June 2021. Collection method: clinical testing. Allele origin: germline. Affected: yes.
Comment: In silico analysis supports that this missense variant has a deleterious effect on protein structure/function; Has not been previously published as pathogenic or benign to our knowledge

Ambry Genetics
Classification: Uncertain significance for Inborn genetic diseases. Last evaluated: 2025-06-29. Review status: criteria provided, single submitter. Criteria: Ambry Variant Classification Scheme 2023. Collection method: clinical testing. Allele origin: germline.

Blueprint Genetics
Classification: Uncertain significance. Last evaluated: 2022-11-02. Review status: criteria provided, single submitter. Criteria: ACMG Guidelines, 2015. Collection method: clinical testing. Allele origin: germline.

Labcorp Genetics (formerly Invitae), Labcorp
Classification: Uncertain significance. Last evaluated: 2022-08-01. Review status: criteria provided, single submitter. Criteria: Invitae Variant Classification Sherloc (09022015). Collection method: clinical testing. Allele origin: germline.
Comment: This sequence change replaces isoleucine, which is neutral and non-polar, with asparagine, which is neutral and polar, at codon 2627 of the USH2A protein (p.Ile2627Asn). This variant is present in population databases (rs745480430, gnomAD 0.06%). This variant has not been reported in the literature in individuals affected with USH2A-related conditions. ClinVar contains an entry for this variant (Variation ID: 968060). Algorithms developed to predict the effect of missense changes on protein structure and function (SIFT, PolyPhen-2, Align-GVGD) all suggest that this variant is likely to be disruptive. In summary, the available evidence is currently insufficient to determine the role of this variant in disease. Therefore, it has been classified as a Variant of Uncertain Significance.

Natera, Inc.
Classification: Uncertain significance for Usher syndrome type 2A. Last evaluated: 2020-01-24. Review status: no assertion criteria provided. Collection method: clinical testing. Allele origin: germline. Not counted in ClinVar's aggregate classification.